The following is an entry in ClinVar:

NM_030665.4(RAI1):c.1521C>T (p.Ser507=)

Gene: RAI1 (retinoic acid induced 1; plus strand). Cytogenetic location: 17p11.2.
Variant type: single nucleotide variant.
Coding change: c.1521C>T on transcript NM_030665.4 (MANE Select); coding-DNA position 1521, C replaced by T.
Protein change: p.Ser507=; no amino-acid change (serine 507 retained).
Molecular consequence: synonymous variant.
Genome position (GRCh38, 1-based): chr17:17,794,469, C>T. VCF-style: chr17-17794469-C-T. GRCh37 (hg19) VCF-style: chr17-17697783-C-T.
Identifiers: ClinVar variation 3351063 (VCV003351063.1).

ClinVar aggregate classification (germline): Likely benign (0 of 4 stars; one submission).

Conditions:
RAI1-related disorder. Also called: RAI1-related condition.

gnomAD v4.1: 1 of 1,612,358 alleles (0.000062%); highest among the groups gnomAD compares: African/African-American, 0.0013%; no homozygotes.

Submission:

PreventionGenetics, part of Exact Sciences
Classification: Likely benign for RAI1-related condition. Last evaluated: 2021-12-16. Review status: no assertion criteria provided. Collection method: clinical testing. Allele origin: germline.
Comment: This variant is classified as likely benign based on ACMG/AMP sequence variant interpretation guidelines (Richards et al. 2015 PMID: 25741868, with internal and published modifications).